The following is an entry in ClinVar:

NM_000052.7(ATP7A):c.2486A>G (p.Asn829Ser)

Gene: ATP7A (ATPase copper transporting alpha; plus strand). Cytogenetic location: Xq21.1.
Variant type: single nucleotide variant.
Coding change: c.2486A>G on transcript NM_000052.7 (MANE Select); coding-DNA position 2486, A replaced by G.
Protein change: p.Asn829Ser; replaces asparagine 829 with serine.
Molecular consequence: missense variant.
Genome position (GRCh38, 1-based): chrX:78,014,741, A>G. VCF-style: chrX-78014741-A-G. GRCh37 (hg19) VCF-style: chrX-77270238-A-G.
Other names: c.2252A>G, p.Asn751Ser (NM_001282224.2); short protein forms N751S, N829S.
Identifiers: ClinVar variation 3750176 (VCV003750176.2).

ClinVar aggregate classification (germline): Uncertain significance (1 of 4 stars; one submission).

Conditions:
Menkes kinky-hair syndrome (MNK). Also called: Copper transport disease; Menkes Disease; Classic Menkes Disease. Identifiers: Orphanet 565, MedGen C0022716, MONDO:0010651, OMIM 309400.
X-linked distal spinal muscular atrophy type 3. Also called: ATP7A-Related Distal Motor Neuropathy; SPINAL MUSCULAR ATROPHY, DISTAL, X-LINKED RECESSIVE; NEURONOPATHY, DISTAL HEREDITARY MOTOR, X-LINKED; NEUROPATHY, DISTAL HEREDITARY MOTOR, X-LINKED. Identifiers: Orphanet 139557, MedGen C1845359, MONDO:0010338, OMIM 300489.
Cutis laxa, X-linked (OHS). Also called: EDS IX; Occipital horn syndrome. Identifiers: Orphanet 198, MedGen C0268353, MONDO:0010572, OMIM 304150.

Submission:

Labcorp Genetics (formerly Invitae), Labcorp
Classification: Uncertain significance for X-linked distal spinal muscular atrophy type 3; Cutis laxa, X-linked; Menkes kinky-hair syndrome. Last evaluated: 2025-06-12. Review status: criteria provided, single submitter. Criteria: Invitae Variant Classification Sherloc (09022015). Collection method: clinical testing. Allele origin: germline.
Comment: This sequence change replaces asparagine, which is neutral and polar, with serine, which is neutral and polar, at codon 829 of the ATP7A protein (p.Asn829Ser). This variant is not present in population databases (gnomAD no frequency). This variant has not been reported in the literature in individuals affected with ATP7A-related conditions. ClinVar contains an entry for this variant (Variation ID: 3750176). Invitae Evidence Modeling of protein sequence and biophysical properties (such as structural, functional, and spatial information, amino acid conservation, physicochemical variation, residue mobility, and thermodynamic stability) indicates that this missense variant is not expected to disrupt ATP7A protein function with a negative predictive value of 95%. In summary, the available evidence is currently insufficient to determine the role of this variant in disease. Therefore, it has been classified as a Variant of Uncertain Significance.